The following is an entry in ClinVar:

NM_138576.4(BCL11B):c.1978C>G (p.Pro660Ala)

Gene: BCL11B (BCL11 transcription factor B; minus strand). Cytogenetic location: 14q32.2.
Variant type: single nucleotide variant.
Coding change: c.1978C>G on transcript NM_138576.4 (MANE Select); coding-DNA position 1978, C replaced by G.
Protein change: p.Pro660Ala; replaces proline 660 with alanine.
Molecular consequence: missense variant.
Genome position (GRCh38, 1-based): chr14:99,174,858, G>C on the plus strand (C>G on the coding strand, the complement: BCL11B is on the minus strand). VCF-style: chr14-99174858-G-C. GRCh37 (hg19) VCF-style: chr14-99641195-G-C.
Other names: c.1975C>G, p.Pro659Ala (NM_001282237.2); c.1762C>G, p.Pro588Ala (NM_001282238.2); c.1765C>G, p.Pro589Ala (NM_022898.3); short protein forms P660A, P589A, P588A, P659A.
Identifiers: ClinVar variation 2992198 (VCV002992198.3), dbSNP rs1886425758, ClinGen allele CA390934212.

ClinVar aggregate classification (germline): Uncertain significance (1 of 4 stars; one submission).

Allele frequency attached by ClinVar (database versions not stated): gnomAD exomes below 0.00001.
gnomAD v4.1: 1 of 1,211,880 alleles (0.000083%); highest among the groups gnomAD compares: African/African-American, 0.0016%; no homozygotes.

Submission:

Labcorp Genetics (formerly Invitae), Labcorp
Classification: Uncertain significance. Last evaluated: 2023-12-06. Review status: criteria provided, single submitter. Criteria: Invitae Variant Classification Sherloc (09022015). Collection method: clinical testing. Allele origin: germline.
Comment: This sequence change replaces proline, which is neutral and non-polar, with alanine, which is neutral and non-polar, at codon 660 of the BCL11B protein (p.Pro660Ala). The frequency data for this variant in the population databases is considered unreliable, as metrics indicate insufficient coverage at this position in the gnomAD database. This variant has not been reported in the literature in individuals affected with BCL11B-related conditions. Advanced modeling of protein sequence and biophysical properties (such as structural, functional, and spatial information, amino acid conservation, physicochemical variation, residue mobility, and thermodynamic stability) performed at Invitae indicates that this missense variant is not expected to disrupt BCL11B protein function with a negative predictive value of 80%. In summary, the available evidence is currently insufficient to determine the role of this variant in disease. Therefore, it has been classified as a Variant of Uncertain Significance.